The following is an entry in ClinVar:

ClinVar aggregate classification (germline): Uncertain significance (1 of 4 stars; one submission).

Conditions:
Hereditary cancer-predisposing syndrome. Also called: Neoplastic Syndromes, Hereditary; Tumor predisposition; Hereditary neoplastic syndrome; Hereditary Cancer Syndrome. Identifiers: Orphanet 140162, MedGen C0027672, MeSH D009386, MONDO:0015356.

Submission:

Ambry Genetics
Classification: Uncertain significance for Hereditary cancer-predisposing syndrome. Last evaluated: 2026-09-13. Review status: criteria provided, single submitter. Criteria: Ambry Variant Classification Scheme 2023. Collection method: clinical testing. Allele origin: germline.
Comment: The p.L1366F variant (also known as c.4096C>T), located in coding exon 10 of the BRCA2 gene, results from a C to T substitution at nucleotide position 4096. The leucine at codon 1366 is replaced by phenylalanine, an amino acid with highly similar properties. This amino acid position is conserved. In addition, this alteration is predicted to be tolerated by in silico analysis. Based on the available evidence, the clinical significance of this variant remains unclear.

NM_000059.4(BRCA2):c.4096C>T (p.Leu1366Phe)

Gene: BRCA2 (BRCA2 DNA repair associated; plus strand). Cytogenetic location: 13q13.1.
Variant type: single nucleotide variant.
Coding change: c.4096C>T on transcript NM_000059.4 (MANE Select); coding-DNA position 4096, C replaced by T.
Protein change: p.Leu1366Phe; replaces leucine 1366 with phenylalanine.
Molecular consequence: missense variant. On other transcripts: non-coding transcript variant (1), intron variant (2).
Genome position (GRCh38, 1-based): chr13:32,338,451, C>T. VCF-style: chr13-32338451-C-T. GRCh37 (hg19) VCF-style: chr13-32912588-C-T.
Other names: c.4096C>T, p.Leu1366Phe (NM_001406719.1, NM_001406720.1, NM_001432077.1); c.1909+5064C>T (NM_001406721.1); c.425-6107C>T (NM_001406722.1); short protein forms L1366F.
Identifiers: ClinVar variation 5033376 (VCV005033376.1).
Genomic context (GRCh38, chr13:32,338,451, plus strand): 5'-ACTGTTTGTATTCATAAAGATGAAACGGACTTGCTATTTACTGATCAGCACAACATATGT[C>T]TTAAATTATCTGGCCAGTTTATGAAGGAGGGAAACACTCAGATTAAAGAAGATTTGTCAG-3'
Protein context (NP_000050.3, residues 1356-1376): LLFTDQHNIC[Leu1366Phe]KLSGQFMKEG